The following is an entry in ClinVar:

ClinVar aggregate classification (germline): Uncertain significance (1 of 4 stars; one submission).

Allele frequency attached by ClinVar (database versions not stated): ExAC 0.00001; gnomAD exomes 0.00001.
gnomAD v4.1: 2 of 1,612,690 alleles (0.00012%); highest among the groups gnomAD compares: Middle Eastern, 0.017%; no homozygotes.

Submission:

Labcorp Genetics (formerly Invitae), Labcorp
Classification: Uncertain significance. Last evaluated: 2023-12-27. Review status: criteria provided, single submitter. Criteria: Invitae Variant Classification Sherloc (09022015). Collection method: clinical testing. Allele origin: germline.
Comment: This sequence change falls in intron 37 of the COL11A1 gene. It does not directly change the encoded amino acid sequence of the COL11A1 protein. It affects a nucleotide within the consensus splice site. This variant is present in population databases (rs771325957, gnomAD 0.0009%). This variant has not been reported in the literature in individuals affected with COL11A1-related conditions. ClinVar contains an entry for this variant (Variation ID: 1497459). Variants that disrupt the consensus splice site are a relatively common cause of aberrant splicing (PMID: 17576681, 9536098). Algorithms developed to predict the effect of sequence changes on RNA splicing suggest that this variant may disrupt the consensus splice site. In summary, the available evidence is currently insufficient to determine the role of this variant in disease. Therefore, it has been classified as a Variant of Uncertain Significance.

Literature cited by the submitters: PubMed 17576681; PubMed 9536098.

NM_001854.4(COL11A1):c.2863-3T>A

Gene: COL11A1 (collagen type XI alpha 1 chain; minus strand). Cytogenetic location: 1p21.1.
Variant type: single nucleotide variant.
Coding change: c.2863-3T>A on transcript NM_001854.4 (MANE Select); 3 bases into the intron before coding-DNA position 2863, T replaced by A.
Molecular consequence: intron variant.
Genome position (GRCh38, 1-based): chr1:102,965,543, A>T on the plus strand (T>A on the coding strand, the complement: COL11A1 is on the minus strand). VCF-style: chr1-102965543-A-T. GRCh37 (hg19) VCF-style: chr1-103431099-A-T.
Other names: c.2746-3T>A (NM_001190709.2); c.2899-3T>A (NM_080629.3); c.2515-3T>A (NM_080630.4).
Identifiers: ClinVar variation 1497459 (VCV001497459.6), dbSNP rs771325957, ClinGen allele CA974234.